The following is an entry in ClinVar:

ClinVar aggregate classification (germline): Conflicting classifications of pathogenicity. Review status: criteria provided, conflicting classifications (1 of 4 stars). 2 submissions from 2 submitters: Uncertain significance (1); Likely benign (1). Last evaluated 2025-12-10.

Conditions:
Hereditary cancer-predisposing syndrome. Also called: Hereditary neoplastic syndrome; Neoplastic Syndromes, Hereditary; Hereditary Cancer Syndrome; Tumor predisposition. Identifiers: Orphanet 140162, MedGen C0027672, MeSH D009386, MONDO:0015356.

Allele frequency attached by ClinVar (database versions not stated): ExAC 0.00002; TOPMed 0.00004.
gnomAD v4.1: 5 of 1,614,122 alleles (0.00031%); highest among the groups gnomAD compares: African/African-American, 0.0067%; no homozygotes.

Submissions (2):

Labcorp Genetics (formerly Invitae), Labcorp
Classification: Uncertain significance. Last evaluated: 2025-12-10. Review status: criteria provided, single submitter. Criteria: Invitae Variant Classification Sherloc (09022015). Collection method: clinical testing. Allele origin: germline.
Comment: This sequence change replaces asparagine, which is neutral and polar, with threonine, which is neutral and polar, at codon 240 of the CTNNA1 protein (p.Asn240Thr). This variant is present in population databases (rs749980248, gnomAD 0.03%). This variant has not been reported in the literature in individuals affected with CTNNA1-related conditions. ClinVar contains an entry for this variant (Variation ID: 1487974). Invitae Evidence Modeling of protein sequence and biophysical properties (such as structural, functional, and spatial information, amino acid conservation, physicochemical variation, residue mobility, and thermodynamic stability) indicates that this missense variant is expected to disrupt CTNNA1 protein function with a positive predictive value of 80%. In summary, the available evidence is currently insufficient to determine the role of this variant in disease. Therefore, it has been classified as a Variant of Uncertain Significance.

Ambry Genetics
Classification: Likely benign for Hereditary cancer-predisposing syndrome. Last evaluated: 2022-12-18. Review status: criteria provided, single submitter. Criteria: Ambry Variant Classification Scheme 2023. Collection method: clinical testing. Allele origin: germline.

NM_001903.5(CTNNA1):c.719A>C (p.Asn240Thr)

Gene: CTNNA1 (catenin alpha 1; plus strand). Cytogenetic location: 5q31.2.
Variant type: single nucleotide variant.
Coding change: c.719A>C on transcript NM_001903.5 (MANE Select); coding-DNA position 719, A replaced by C.
Protein change: p.Asn240Thr; replaces asparagine 240 with threonine.
Molecular consequence: missense variant.
Genome position (GRCh38, 1-based): chr5:138,824,660, A>C. VCF-style: chr5-138824660-A-C. GRCh37 (hg19) VCF-style: chr5-138160349-A-C.
Other names: c.719A>C, p.Asn240Thr (NM_001290307.3, NM_001323982.2, NM_001323983.1 and 3 more transcripts); c.410A>C, p.Asn137Thr (NM_001290309.3); c.350A>C, p.Asn117Thr (NM_001290310.3); c.719A>C (NM_001903.2); short protein forms N137T, N240T, N117T.
Identifiers: ClinVar variation 1487974 (VCV001487974.10), dbSNP rs749980248, ClinGen allele CA3431540.